The following is an entry in ClinVar:

ClinVar aggregate classification (germline): Uncertain significance (1 of 4 stars; one submission).

Conditions:
Leber congenital amaurosis 6 (LCA6). Identifiers: Orphanet 65, MedGen C1854260, MONDO:0013446, OMIM 613826.
Cone-rod dystrophy 13 (CORD13). Identifiers: Orphanet 1872, MedGen C2750720, MONDO:0011987, OMIM 608194.

Allele frequency attached by ClinVar (database versions not stated): gnomAD exomes 0.00001 and 0.00002; ExAC 0.00003.
gnomAD v4.1: 14 of 1,495,410 alleles (0.00094%); highest among the groups gnomAD compares: South Asian, 0.02%; no homozygotes.

Submission:

Labcorp Genetics (formerly Invitae), Labcorp
Classification: Uncertain significance for Leber congenital amaurosis 6; Cone-rod dystrophy 13. Last evaluated: 2021-08-20. Review status: criteria provided, single submitter. Criteria: Invitae Variant Classification Sherloc (09022015). Collection method: clinical testing. Allele origin: germline.
Comment: This sequence change falls in intron 19 of the RPGRIP1 gene. It does not directly change the encoded amino acid sequence of the RPGRIP1 protein. It affects a nucleotide within the consensus splice site of the intron. This variant is present in population databases (rs748207531, ExAC 0.02%). This variant has not been reported in the literature in individuals affected with RPGRIP1-related conditions. Variants that disrupt the consensus splice site are a relatively common cause of aberrant splicing (PMID: 17576681, 9536098). Algorithms developed to predict the effect of sequence changes on RNA splicing suggest that this variant is not likely to affect RNA splicing. In summary, the available evidence is currently insufficient to determine the role of this variant in disease. Therefore, it has been classified as a Variant of Uncertain Significance.

Literature cited by the submitters: PubMed 17576681; PubMed 9536098.

NM_020366.4(RPGRIP1):c.3238+4T>C

Gene: RPGRIP1 (RPGR interacting protein 1; plus strand). Cytogenetic location: 14q11.2.
Variant type: single nucleotide variant.
Coding change: c.3238+4T>C on transcript NM_020366.4 (MANE Select); 4 bases into the intron after coding-DNA position 3238, T replaced by C.
Molecular consequence: intron variant.
Genome position (GRCh38, 1-based): chr14:21,330,391, T>C. VCF-style: chr14-21330391-T-C. GRCh37 (hg19) VCF-style: chr14-21798550-T-C.
Other names: c.2164+4T>C (NM_001377948.1); c.1324+4T>C (NM_001377949.1); c.1216+4T>C (NM_001377523.1); c.1213+4T>C (NM_001377950.1); c.718+4T>C (NM_001377951.1).
Identifiers: ClinVar variation 970052 (VCV000970052.7), dbSNP rs748207531, ClinGen allele CA7089450.